The following is an entry in ClinVar:

ClinVar aggregate classification (germline): Uncertain significance (1 of 4 stars; one submission).

Conditions:
Nephrolithiasis/nephrocalcinosis. Identifiers: MedGen CN580796.

gnomAD v4.1: 1 of 1,614,112 alleles (0.000062%); highest among the groups gnomAD compares: Non-Finnish European, 0.000085%; no homozygotes.

Submission:

Ambry Genetics
Classification: Uncertain significance for Nephrolithiasis/nephrocalcinosis. Last evaluated: 2021-10-06. Review status: criteria provided, single submitter. Criteria: Ambry Variant Classification Scheme 2023. Collection method: clinical testing. Allele origin: germline.
Comment: The p.I427M variant (also known as c.1281T>G), located in coding exon 3 of the CASR gene, results from a T to G substitution at nucleotide position 1281. The isoleucine at codon 427 is replaced by methionine, an amino acid with highly similar properties. This amino acid position is conserved. In addition, the in silico prediction for this alteration is inconclusive. Since supporting evidence is limited at this time, the clinical significance of this alteration remains unclear.

NM_000388.4(CASR):c.1281T>G (p.Ile427Met)

Gene: CASR (calcium sensing receptor; plus strand). Cytogenetic location: 3q21.1.
Variant type: single nucleotide variant.
Coding change: c.1281T>G on transcript NM_000388.4 (MANE Select); coding-DNA position 1281, T replaced by G.
Protein change: p.Ile427Met; replaces isoleucine 427 with methionine.
Molecular consequence: missense variant.
Genome position (GRCh38, 1-based): chr3:122,262,316, T>G. VCF-style: chr3-122262316-T-G. GRCh37 (hg19) VCF-style: chr3-121981163-T-G.
Other names: c.1281T>G, p.Ile427Met (NM_001178065.2); short protein forms I427M.
Identifiers: ClinVar variation 1768169 (VCV001768169.2), dbSNP rs771741512, ClinGen allele CA354152988.